The following is an entry in ClinVar:

NM_015978.3(TNNI3K):c.1840_1841del (p.Gln614fs)

Genes: FPGT-TNNI3K (FPGT-TNNI3K readthrough; plus strand), TNNI3K (TNNI3 interacting kinase; plus strand). Cytogenetic location: 1p31.1.
Variant type: Deletion.
Coding change: c.1840_1841del on transcript NM_015978.3 (MANE Select); coding-DNA positions 1840 to 1841, 2 bases deleted (CA; older notation c.1840_1841delCA).
Protein change: p.Gln614fs; shifts the reading frame from glutamine 614.
Molecular consequence: frameshift variant.
Genome position (GRCh38, 1-based): chr1:74,436,488-74,436,489, CA deleted; deleting any 2 consecutive bases within chr1:74,436,487-74,436,489 gives the same sequence; the c. name uses the placement nearest the transcript's 3' end. VCF-style (leftmost placement, unchanged base first): chr1-74436486-TAC-T. GRCh37 (hg19) VCF-style: chr1-74902170-TAC-T.
Other names: c.2143_2144del, p.Gln715fs (NM_001112808.3, NM_001199327.2); short protein forms Q715fs, Q614fs.
Identifiers: ClinVar variation 2116798 (VCV002116798.4), dbSNP rs1450551622, ClinGen allele CA738762716.

ClinVar aggregate classification (germline): Uncertain significance (1 of 4 stars; one submission).

Submission:

Labcorp Genetics (formerly Invitae), Labcorp
Classification: Uncertain significance. Last evaluated: 2022-03-25. Review status: criteria provided, single submitter. Criteria: Invitae Variant Classification Sherloc (09022015). Collection method: clinical testing. Allele origin: germline.
Comment: This variant has not been reported in the literature in individuals affected with TNNI3K-related conditions. In summary, the available evidence is currently insufficient to determine the role of this variant in disease. Therefore, it has been classified as a Variant of Uncertain Significance. Algorithms developed to predict the effect of sequence changes on RNA splicing suggest that this variant may disrupt the consensus splice site. This variant is not present in population databases (gnomAD no frequency). This sequence change creates a premature translational stop signal (p.Gln614Valfs*4) in the TNNI3K gene. It is expected to result in an absent or disrupted protein product. However, the current clinical and genetic evidence is not sufficient to establish whether loss-of-function variants in TNNI3K cause disease.